The following is an entry in ClinVar:

NM_181523.3(PIK3R1):c.553G>A (p.Ala185Thr)

Gene: PIK3R1 (phosphoinositide-3-kinase regulatory subunit 1; plus strand). Cytogenetic location: 5q13.1.
Variant type: single nucleotide variant.
Coding change: c.553G>A on transcript NM_181523.3 (MANE Select); coding-DNA position 553, G replaced by A.
Protein change: p.Ala185Thr; replaces alanine 185 with threonine.
Molecular consequence: missense variant.
Genome position (GRCh38, 1-based): chr5:68,279,652, G>A. VCF-style: chr5-68279652-G-A. GRCh37 (hg19) VCF-style: chr5-67575480-G-A.
Other names: short protein forms A185T.
Identifiers: ClinVar variation 967011 (VCV000967011.10), dbSNP rs765008592, ClinGen allele CA3290073.
Genomic context (GRCh38, chr5:68,279,652, plus strand): 5'-TGTTTCCTAGATACACCCTCCGTGGACTTGGAAATGATCGATGTGCACGTTTTGGCTGAC[G>A]CTTTCAAACGCTATCTCCTGGACTTACCAAATCCTGTCATTCCAGCAGCCGTTTACAGTG-3'
Protein context (NP_852664.1, residues 175-195): EMIDVHVLAD[Ala185Thr]FKRYLLDLPN

ClinVar aggregate classification (germline): Uncertain significance. Review status: criteria provided, multiple submitters, no conflicts (2 of 4 stars). 2 submissions from 2 submitters: Uncertain significance (2). Last evaluated 2025-06-11.

Conditions:
Immunodeficiency 36 with lymphoproliferation. Also called: ACTIVATED PI3K-DELTA SYNDROME 2; Immunodeficiency 36; Activated PI3K Delta Syndrome Type 2 (APDS2). Identifiers: Orphanet 397596, Orphanet 693681, MedGen C4014934, MONDO:0014453, OMIM 616005.
Agammaglobulinemia 7, autosomal recessive (AGM7). Also called: AGAMMAGLOBULINEMIA, AUTOSOMAL RECESSIVE, DUE TO PIK3R1 DEFECT. Identifiers: MedGen C3554689, MONDO:0014083, OMIM 615214.
SHORT syndrome. Also called: PIK3R1-Related SHORT Syndrome; SHORT STATURE, HYPEREXTENSIBILITY, HERNIA, OCULAR DEPRESSION, RIEGER ANOMALY, AND TEETHING DELAY; LIPODYSTROPHY, PARTIAL, WITH RIEGER ANOMALY AND SHORT STATURE. Identifiers: Orphanet 3163, MedGen C0878684, MONDO:0010026, OMIM 269880.

Allele frequency attached by ClinVar (database versions not stated): gnomAD exomes 0.00001; TOPMed 0.00001; ExAC 0.00002.
gnomAD v4.1: 15 of 1,613,786 alleles (0.00093%); highest among the groups gnomAD compares: Admixed American, 0.0033%; no homozygotes.

Submissions (2):

Labcorp Genetics (formerly Invitae), Labcorp
Classification: Uncertain significance for SHORT syndrome; Immunodeficiency 36 with lymphoproliferation; Agammaglobulinemia 7, autosomal recessive. Last evaluated: 2025-06-11. Review status: criteria provided, single submitter. Criteria: Invitae Variant Classification Sherloc (09022015). Collection method: clinical testing. Allele origin: germline.
Comment: This sequence change replaces alanine, which is neutral and non-polar, with threonine, which is neutral and polar, at codon 185 of the PIK3R1 protein (p.Ala185Thr). This variant is present in population databases (rs765008592, gnomAD 0.006%). This variant has not been reported in the literature in individuals affected with PIK3R1-related conditions. ClinVar contains an entry for this variant (Variation ID: 967011). An algorithm developed to predict the effect of missense changes on protein structure and function outputs the following: PolyPhen-2: "Benign". The threonine amino acid residue is found in multiple mammalian species, which suggests that this missense change does not adversely affect protein function. In summary, the available evidence is currently insufficient to determine the role of this variant in disease. Therefore, it has been classified as a Variant of Uncertain Significance.

Blueprint Genetics
Classification: Uncertain significance. Last evaluated: 2022-07-13. Review status: criteria provided, single submitter. Criteria: ACMG Guidelines, 2015. Collection method: clinical testing. Allele origin: germline.